The following is an entry in ClinVar:

ClinVar aggregate classification (germline): Uncertain significance. Review status: criteria provided, multiple submitters, no conflicts (2 of 4 stars). 4 submissions from 4 submitters: Uncertain significance (4). Last evaluated 2025-07-10.

Conditions:
Inborn genetic diseases. Identifiers: MedGen C0950123, MeSH D030342.

Allele frequency attached by ClinVar (database versions not stated): TOPMed 0.00001; gnomAD exomes 0.00002.
gnomAD v4.1: 18 of 1,536,294 alleles (0.0012%); highest among the groups gnomAD compares: East Asian, 0.0097%; no homozygotes.

Submissions (4):

Labcorp Genetics (formerly Invitae), Labcorp
Classification: Uncertain significance. Last evaluated: 2025-07-10. Review status: criteria provided, single submitter. Criteria: Invitae Variant Classification Sherloc (09022015). Collection method: clinical testing. Allele origin: germline.
Comment: This sequence change replaces serine, which is neutral and polar, with arginine, which is basic and polar, at codon 2 of the SDHAF1 protein (p.Ser2Arg). This variant is present in population databases (no rsID available, gnomAD 0.01%). This variant has not been reported in the literature in individuals affected with SDHAF1-related conditions. ClinVar contains an entry for this variant (Variation ID: 215134). An algorithm developed to predict the effect of missense changes on protein structure and function (PolyPhen-2) suggests that this variant is likely to be disruptive. In summary, the available evidence is currently insufficient to determine the role of this variant in disease. Therefore, it has been classified as a Variant of Uncertain Significance.

Ambry Genetics
Classification: Uncertain significance for Inborn genetic diseases. Last evaluated: 2025-05-01. Review status: criteria provided, single submitter. Criteria: Ambry Variant Classification Scheme 2023. Collection method: clinical testing. Allele origin: germline.

Blueprint Genetics
Classification: Uncertain significance. Last evaluated: 2024-03-22. Review status: criteria provided, single submitter. Criteria: ACMG Guidelines, 2015. Collection method: clinical testing. Allele origin: germline.

GeneDx
Classification: Uncertain significance. Last evaluated: 2013-11-14. Review status: criteria provided, single submitter. Criteria: GeneDx Variant Classification (06012015). Collection method: clinical testing. Allele origin: germline. Affected: yes.
Comment: p.Ser2Arg (AGC>CGC): c.4 A>C in exon 1 of the SDHAF1 gene (NM_001042631.2) The S2R missense change has not been published as a mutation, nor has it been reported as a benign polymorphism to our knowledge. The amino substitution is non-conservative in that an uncharged Serine residue is replaced by a positively charged Arginine residue. S2R alters a position that is conserved through mammals but not in distantly related species in the SDHAF1 protein. In addition, in silico analysis is not consistent in their predictions of whether S2R is damaging to the structure/function of the protein. Therefore, based on the currently available information, it is unclear whether S2R is a disease-causing mutation or a rare benign variant. The variant is found in MITONUC-MITOP panel(s).

NM_001042631.3(SDHAF1):c.4A>C (p.Ser2Arg)

Gene: SDHAF1 (succinate dehydrogenase complex assembly factor 1; plus strand). Cytogenetic location: 19q13.12.
Variant type: single nucleotide variant.
Coding change: c.4A>C on transcript NM_001042631.3 (MANE Select); coding-DNA position 4, A replaced by C.
Protein change: p.Ser2Arg; replaces serine 2 with arginine.
Molecular consequence: missense variant.
Genome position (GRCh38, 1-based): chr19:35,995,278, A>C. VCF-style: chr19-35995278-A-C. GRCh37 (hg19) VCF-style: chr19-36486180-A-C.
Other names: p.S2R:AGC>CGC; short protein forms S2R.
Identifiers: ClinVar variation 215134 (VCV000215134.10), dbSNP rs863224198, ClinGen allele CA320585.